The following is an entry in ClinVar:

ClinVar aggregate classification (germline): Uncertain significance (1 of 4 stars; one submission).

Conditions:
MC4R-related disorder. Also called: MC4R-related condition.

Submission:

PreventionGenetics, part of Exact Sciences
Classification: Uncertain significance for MC4R-related condition. Last evaluated: 2025-04-22. Review status: criteria provided, single submitter. Criteria: ACMG Guidelines, 2015. Collection method: clinical testing. Allele origin: germline.
Comment: The MC4R c.149T>G variant is predicted to result in the amino acid substitution p.Val50Gly. To our knowledge, this variant has not been reported in the literature or in a large population database, indicating this variant is rare. Of note a different variant impacting the same amino acid (p.Val50Met) has been documented in patients with obesity (Dubern et al. 2001. PubMed ID: 11487744; Yurtcu et al. 2009. PubMed ID: 19184404). At this time, the clinical significance of the c.149T>G (p.Val50Gly) variant is uncertain due to the absence of conclusive functional and genetic evidence.

NM_005912.3(MC4R):c.149T>G (p.Val50Gly)

Gene: MC4R (melanocortin 4 receptor; minus strand). Cytogenetic location: 18q21.32.
Variant type: single nucleotide variant.
Coding change: c.149T>G on transcript NM_005912.3 (MANE Select); coding-DNA position 149, T replaced by G.
Protein change: p.Val50Gly; replaces valine 50 with glycine.
Molecular consequence: missense variant.
Genome position (GRCh38, 1-based): chr18:60,372,201, A>C on the plus strand (T>G on the coding strand, the complement: MC4R is on the minus strand). VCF-style: chr18-60372201-A-C. GRCh37 (hg19) VCF-style: chr18-58039434-A-C.
Other names: short protein forms V50G.
Identifiers: ClinVar variation 3354892 (VCV003354892.2).
Genomic context (GRCh38, chr18:60,372,201, plus strand): 5'-GCTATTGCCACAATCACTAAGATATTCTCCAACAAGCTGATGACACCCAGAGTCACAAAC[A>C]CCTCAGGAGAGACAAAAAGTTGCTCGTAGCACCCTCCATCAGAGTAGCCTTTTCCAAGGG-3'
Protein context (NP_005903.2, residues 40-60): CYEQLFVSPE[Val50Gly]FVTLGVISLL